The following is an entry in ClinVar:

ClinVar aggregate classification (germline): Uncertain significance. Review status: criteria provided, multiple submitters, no conflicts (2 of 4 stars). 2 submissions from 2 submitters: Uncertain significance (2). Last evaluated 2025-12-11.

Conditions:
Inborn genetic diseases. Identifiers: MedGen C0950123, MeSH D030342.

Allele frequency attached by ClinVar (database versions not stated): TOPMed 0.00001.

Submissions (2):

Ambry Genetics
Classification: Uncertain significance for Inborn genetic diseases. Last evaluated: 2025-12-11. Review status: criteria provided, single submitter. Criteria: Ambry Variant Classification Scheme 2023. Collection method: clinical testing. Allele origin: germline.

Labcorp Genetics (formerly Invitae), Labcorp
Classification: Uncertain significance. Last evaluated: 2022-09-27. Review status: criteria provided, single submitter. Criteria: Invitae Variant Classification Sherloc (09022015). Collection method: clinical testing. Allele origin: germline.
Comment: This variant has not been reported in the literature in individuals affected with LRIT3-related conditions. This sequence change replaces glycine, which is neutral and non-polar, with aspartic acid, which is acidic and polar, at codon 672 of the LRIT3 protein (p.Gly672Asp). This variant is present in population databases (rs778614880, gnomAD 0.05%). ClinVar contains an entry for this variant (Variation ID: 1041180). Algorithms developed to predict the effect of missense changes on protein structure and function output the following: SIFT: "Tolerated"; PolyPhen-2: "Benign"; Align-GVGD: "Class C0". The aspartic acid amino acid residue is found in multiple mammalian species, which suggests that this missense change does not adversely affect protein function. In summary, the available evidence is currently insufficient to determine the role of this variant in disease. Therefore, it has been classified as a Variant of Uncertain Significance.

NM_198506.5(LRIT3):c.2015G>A (p.Gly672Asp)

Gene: LRIT3 (leucine rich repeat, Ig-like and transmembrane domains 3; plus strand). Cytogenetic location: 4q25.
Variant type: single nucleotide variant.
Coding change: c.2015G>A on transcript NM_198506.5 (MANE Select); coding-DNA position 2015, G replaced by A.
Protein change: p.Gly672Asp; replaces glycine 672 with aspartic acid.
Molecular consequence: missense variant.
Genome position (GRCh38, 1-based): chr4:109,870,764, G>A. VCF-style: chr4-109870764-G-A. GRCh37 (hg19) VCF-style: chr4-110791920-G-A.
Other names: c.1880G>A (NM_198506.2); short protein forms G672D.
Identifiers: ClinVar variation 1041180 (VCV001041180.5), dbSNP rs778614880, ClinGen allele CA3043299.